The following is an entry in ClinVar:

ClinVar aggregate classification (germline): Uncertain significance. Review status: criteria provided, multiple submitters, no conflicts (2 of 4 stars). 3 submissions from 3 submitters: Uncertain significance (3). Last evaluated 2024-01-11.

Conditions:
Donnai-Barrow syndrome. Also called: DBS/FOAR SYNDROME; FACIOOCULOACOUSTICORENAL SYNDROME. Identifiers: Orphanet 2143, MedGen C1857277, MONDO:0009104, OMIM 222448.

Allele frequency attached by ClinVar (database versions not stated): gnomAD exomes below 0.00001 and 0.00001; TOPMed below 0.00001; ExAC 0.00001; gnomAD 0.00003.
gnomAD v4.1: 8 of 1,614,088 alleles (0.0005%); highest among the groups gnomAD compares: Middle Eastern, 0.016%; no homozygotes.

Submissions (3):

Fulgent Genetics
Classification: Uncertain significance for Donnai-Barrow syndrome. Last evaluated: 2024-01-11. Review status: criteria provided, single submitter. Criteria: ACMG Guidelines, 2015. Collection method: clinical testing. Allele origin: germline.

Labcorp Genetics (formerly Invitae), Labcorp
Classification: Uncertain significance. Last evaluated: 2022-09-24. Review status: criteria provided, single submitter. Criteria: Invitae Variant Classification Sherloc (09022015). Collection method: clinical testing. Allele origin: germline.
Comment: This sequence change replaces proline, which is neutral and non-polar, with serine, which is neutral and polar, at codon 4462 of the LRP2 protein (p.Pro4462Ser). This variant is present in population databases (rs747641533, gnomAD 0.003%). This variant has not been reported in the literature in individuals affected with LRP2-related conditions. ClinVar contains an entry for this variant (Variation ID: 332072). Advanced modeling of protein sequence and biophysical properties (such as structural, functional, and spatial information, amino acid conservation, physicochemical variation, residue mobility, and thermodynamic stability) performed at Invitae indicates that this missense variant is not expected to disrupt LRP2 protein function. In summary, the available evidence is currently insufficient to determine the role of this variant in disease. Therefore, it has been classified as a Variant of Uncertain Significance.

Illumina Laboratory Services, Illumina
Classification: Uncertain significance for Donnai-Barrow syndrome. Last evaluated: 2018-01-13. Review status: criteria provided, single submitter. Criteria: ICSL Variant Classification Criteria 13 December 2019. Collection method: clinical testing. Allele origin: germline.

NM_004525.3(LRP2):c.13384C>T (p.Pro4462Ser)

Gene: LRP2 (LDL receptor related protein 2; minus strand). Cytogenetic location: 2q31.1.
Variant type: single nucleotide variant.
Coding change: c.13384C>T on transcript NM_004525.3 (MANE Select); coding-DNA position 13384, C replaced by T.
Protein change: p.Pro4462Ser; replaces proline 4462 with serine.
Molecular consequence: missense variant.
Genome position (GRCh38, 1-based): chr2:169,139,255, G>A on the plus strand (C>T on the coding strand, the complement: LRP2 is on the minus strand). VCF-style: chr2-169139255-G-A. GRCh37 (hg19) VCF-style: chr2-169995765-G-A.
Other names: short protein forms P4462S.
Identifiers: ClinVar variation 332072 (VCV000332072.11), dbSNP rs747641533, ClinGen allele CA1952561.